The following is an entry in ClinVar:

NM_004385.5(VCAN):c.4861G>A (p.Glu1621Lys)

Genes: VCAN (versican; plus strand), VCAN-AS1 (VCAN antisense RNA 1; minus strand). Cytogenetic location: 5q14.3.
Variant type: single nucleotide variant.
Coding change: c.4861G>A on transcript NM_004385.5 (MANE Select); coding-DNA position 4861, G replaced by A.
Protein change: p.Glu1621Lys; replaces glutamic acid 1621 with lysine.
Molecular consequence: missense variant. On other transcripts: intron variant (2).
Genome position (GRCh38, 1-based): chr5:83,537,864, G>A. VCF-style: chr5-83537864-G-A. GRCh37 (hg19) VCF-style: chr5-82833683-G-A.
Other names: c.1900G>A, p.Glu634Lys (NM_001164097.2); c.4004-7673G>A (NM_001164098.2); c.1043-7673G>A (NM_001126336.3); short protein forms E1621K, E634K.
Identifiers: ClinVar variation 938225 (VCV000938225.9), dbSNP rs1746787613, ClinGen allele CA360309160.

ClinVar aggregate classification (germline): Uncertain significance (1 of 4 stars; one submission).

Submission:

Labcorp Genetics (formerly Invitae), Labcorp
Classification: Uncertain significance. Last evaluated: 2019-09-03. Review status: criteria provided, single submitter. Criteria: Invitae Variant Classification Sherloc (09022015). Collection method: clinical testing. Allele origin: germline.
Comment: This variant has not been reported in the literature in individuals with VCAN-related conditions. This variant is not present in population databases (ExAC no frequency). Algorithms developed to predict the effect of missense changes on protein structure and function output the following: SIFT: "Tolerated"; PolyPhen-2: "Benign"; Align-GVGD: "Class C0". The lysine amino acid residue is found in multiple mammalian species, suggesting that this missense change does not adversely affect protein function. These predictions have not been confirmed by published functional studies and their clinical significance is uncertain. This sequence change replaces glutamic acid with lysine at codon 1621 of the VCAN protein (p.Glu1621Lys). The glutamic acid residue is highly conserved and there is a small physicochemical difference between glutamic acid and lysine. In summary, the available evidence is currently insufficient to determine the role of this variant in disease. Therefore, it has been classified as a Variant of Uncertain Significance.